The following is an entry in ClinVar:

NM_173800.5(LVRN):c.525C>G (p.Pro175=)

Gene: LVRN (laeverin; plus strand). Cytogenetic location: 5q23.1.
Variant type: single nucleotide variant.
Coding change: c.525C>G on transcript NM_173800.5 (MANE Select); coding-DNA position 525, C replaced by G.
Protein change: p.Pro175=; no amino-acid change (proline 175 retained).
Molecular consequence: synonymous variant.
Genome position (GRCh38, 1-based): chr5:115,963,142, C>G. VCF-style: chr5-115963142-C-G. GRCh37 (hg19) VCF-style: chr5-115298839-C-G.
Identifiers: ClinVar variation 2655650 (VCV002655650.24), dbSNP rs756467278, ClinGen allele CA3376247.
Genomic context (GRCh38, chr5:115,963,142, plus strand): 5'-CGCCGAGGTGCGGGGACCCCTTTCCCCGGGCACTGGGAACGCCACAGTGGGCCGCGTGCC[C>G]GTGGACGACGTGTGGTTCGCGCTGGACACGGAATACATGGTGCTGGAGCTCAGTGAGCCC-3'
Protein context (NP_776161.3, residues 165-185): GTGNATVGRV[Pro175=]VDDVWFALDT

ClinVar aggregate classification (germline): Likely benign (1 of 4 stars; one submission).

gnomAD v4.1: 20 of 1,613,114 alleles (0.0012%); highest among the groups gnomAD compares: Non-Finnish European, 0.0016%; no homozygotes.

Submission:

CeGaT Center for Human Genetics Tuebingen
Classification: Likely benign. Last evaluated: 2022-07-01. Review status: criteria provided, single submitter. Criteria: CeGaT Center For Human Genetics Tuebingen Variant Classification Criteria Version 2. Collection method: clinical testing. Allele origin: germline. Affected: yes. Observed: 1 variant allele.
Comment: LVRN: BP4, BP7